The following is an entry in ClinVar:

ClinVar aggregate classification (germline): Benign. Review status: criteria provided, multiple submitters, no conflicts (2 of 4 stars). 6 submissions from 6 submitters: Benign (5). 1 of the submissions does not count toward it. Last evaluated 2026-02-03.

Conditions:
Treacher Collins syndrome 1 (TCS1). Also called: TCOF1-Related Treacher Collins Syndrome. Identifiers: Orphanet 861, MedGen CN315775, MONDO:0007944, OMIM 154500.

Allele frequency attached by ClinVar (database versions not stated): gnomAD exomes 0.14339 and 0.15456; ExAC 0.14638; 1000 Genomes Project 30x 0.16099; 1000 Genomes Project 0.16254; gnomAD 0.17773 and 0.18176; TOPMed 0.17857; ESP Exome Variant Server 0.19076.
gnomAD v4.1: 252,807 of 1,614,034 alleles (16%); highest among the groups gnomAD compares: African/African-American, 27%; 20,933 homozygotes.

Submissions (6):

Labcorp Genetics (formerly Invitae), Labcorp
Classification: Benign for Treacher Collins syndrome 1. Last evaluated: 2026-02-03. Review status: criteria provided, single submitter. Criteria: Invitae Variant Classification Sherloc (09022015). Collection method: clinical testing. Allele origin: germline.

Blueprint Genetics
Classification: Benign. Last evaluated: 2024-11-26. Review status: criteria provided, single submitter. Criteria: ACMG Guidelines, 2015. Collection method: clinical testing. Allele origin: germline.

Mayo Clinic Laboratories, Mayo Clinic
Classification: Benign. Last evaluated: 2020-12-04. Review status: criteria provided, single submitter. Criteria: ACMG Guidelines, 2015. Collection method: clinical testing. Allele origin: germline. Observed: 38 variant alleles.

GeneDx
Classification: Benign. Last evaluated: 2015-03-03. Review status: criteria provided, single submitter. Criteria: GeneDx Variant Classification Process June 2021. Collection method: clinical testing. Allele origin: germline. Affected: yes.

PreventionGenetics, part of Exact Sciences
Classification: Benign. Review status: criteria provided, single submitter. Criteria: ACMG Guidelines, 2015. Collection method: clinical testing. Allele origin: germline.

Genetic Services Laboratory, University of Chicago
Classification: Likely benign for AllHighlyPenetrant. Review status: no assertion criteria provided. Collection method: clinical testing. Allele origin: germline. Inheritance: Autosomal dominant inheritance. Not counted in ClinVar's aggregate classification.
Comment: Likely benign based on allele frequency in 1000 Genomes Project or ESP global frequency and its presence in a patient with a rare or unrelated disease phenotype. NOT Sanger confirmed.

NM_001371623.1(TCOF1):c.1842A>G (p.Ser614=)

Gene: TCOF1 (treacle ribosome biogenesis factor 1; plus strand). Cytogenetic location: 5q32.
Variant type: single nucleotide variant.
Coding change: c.1842A>G on transcript NM_001371623.1 (MANE Select); coding-DNA position 1842, A replaced by G.
Protein change: p.Ser614=; no amino-acid change (serine 614 retained).
Molecular consequence: synonymous variant.
Genome position (GRCh38, 1-based): chr5:150,375,858, A>G. VCF-style: chr5-150375858-A-G. GRCh37 (hg19) VCF-style: chr5-149755421-A-G.
Other names: p.Ser614=; c.1611A>G, p.Ser537= (NM_000356.4, NM_001135245.2); c.1842A>G, p.Ser614= (NM_001008657.3, NM_001135243.2, NM_001135244.2 and 1 more transcripts).
Identifiers: ClinVar variation 130565 (VCV000130565.19), dbSNP rs2071239, ClinGen allele CA155664.
Genomic context (GRCh38, chr5:150,375,858, plus strand): 5'-TGTAGCCGTCCAGGTCAAGGCTGAAAAGCCCATGGACAACTCGGAGAGCAGCGAGGAGTC[A>G]TCGGACAGTGCGGACAGTGAGGAGGCACCAGCAGCCATGACTGCAGCTCAGGTGAGGCCT-3'
Protein context (NP_001358552.1, residues 604-624): PMDNSESSEE[Ser614=]SDSADSEEAP